The following is an entry in ClinVar:

NM_020338.4(ZMIZ1):c.3094G>A (p.Asp1032Asn)

Gene: ZMIZ1 (zinc finger MIZ-type containing 1; plus strand). Cytogenetic location: 10q22.3.
Variant type: single nucleotide variant.
Coding change: c.3094G>A on transcript NM_020338.4 (MANE Select); coding-DNA position 3094, G replaced by A.
Protein change: p.Asp1032Asn; replaces aspartic acid 1032 with asparagine.
Molecular consequence: missense variant.
Genome position (GRCh38, 1-based): chr10:79,311,182, G>A. VCF-style: chr10-79311182-G-A. GRCh37 (hg19) VCF-style: chr10-81070939-G-A.
Other names: short protein forms D1032N.
Identifiers: ClinVar variation 2878203 (VCV002878203.3), dbSNP rs143270296, ClinGen allele CA5573189.
Genomic context (GRCh38, chr10:79,311,182, plus strand): 5'-TCAGCCTTAGAGGGTCAGGCCGGAGCGCAGGGAGCGTCCGACATGCCGGAGCCTTCGCTG[G>A]ATGTAAGTTGGGGTCGCCACTCGCCTTGGCCTGGGGCTAGGCCTGGCGCCGGGACCTGCC-3'
Protein context (NP_065071.1, residues 1022-1042): GASDMPEPSL[Asp1032Asn]LLPELTNPDE

ClinVar aggregate classification (germline): Uncertain significance (1 of 4 stars; one submission).

Allele frequency attached by ClinVar (database versions not stated): gnomAD exomes below 0.00001; ExAC 0.00001; gnomAD 0.00002; ESP Exome Variant Server 0.00008.
gnomAD v4.1: 5 of 1,605,352 alleles (0.00031%); highest among the groups gnomAD compares: South Asian, 0.0011%; no homozygotes.

Submission:

Labcorp Genetics (formerly Invitae), Labcorp
Classification: Uncertain significance. Last evaluated: 2023-04-29. Review status: criteria provided, single submitter. Criteria: Invitae Variant Classification Sherloc (09022015). Collection method: clinical testing. Allele origin: germline.
Comment: This variant has not been reported in the literature in individuals affected with ZMIZ1-related conditions. This variant is present in population databases (rs143270296, gnomAD 0.002%). This sequence change replaces aspartic acid, which is acidic and polar, with asparagine, which is neutral and polar, at codon 1032 of the ZMIZ1 protein (p.Asp1032Asn). An algorithm developed to predict the effect of missense changes on protein structure and function (PolyPhen-2) suggests that this variant is likely to be disruptive. In summary, the available evidence is currently insufficient to determine the role of this variant in disease. Therefore, it has been classified as a Variant of Uncertain Significance.